The following is an entry in ClinVar:

ClinVar aggregate classification (germline): Uncertain significance (1 of 4 stars; one submission).

gnomAD v4.1: 5 of 1,614,094 alleles (0.00031%); highest among the groups gnomAD compares: South Asian, 0.0055%; no homozygotes.

Submission:

GeneDx
Classification: Uncertain significance. Last evaluated: 2024-06-13. Review status: criteria provided, single submitter. Criteria: GeneDx Variant Classification Process June 2021. Collection method: clinical testing. Allele origin: germline. Affected: yes.
Comment: Has not been previously published as pathogenic or benign to our knowledge; Not observed at significant frequency in large population cohorts (gnomAD); In silico analysis supports that this missense variant has a deleterious effect on protein structure/function

NM_001148.6(ANK2):c.11566C>A (p.Pro3856Thr)

Gene: ANK2 (ankyrin 2; plus strand). Cytogenetic location: 4q26.
Variant type: single nucleotide variant.
Coding change: c.11566C>A on transcript NM_001148.6 (MANE Select); coding-DNA position 11566, C replaced by A.
Protein change: p.Pro3856Thr; replaces proline 3856 with threonine.
Molecular consequence: missense variant.
Genome position (GRCh38, 1-based): chr4:113,369,761, C>A. VCF-style: chr4-113369761-C-A. GRCh37 (hg19) VCF-style: chr4-114290917-C-A.
Other names: c.5284C>A, p.Pro1762Thr (NM_001127493.3); c.5323C>A, p.Pro1775Thr (NM_001354225.2); c.5212C>A, p.Pro1738Thr (NM_001354228.2, NM_001354258.2); c.5290C>A, p.Pro1764Thr (NM_001354230.2); c.5353C>A, p.Pro1785Thr (NM_001354231.2, NM_001354242.2); c.5347C>A, p.Pro1783Thr (NM_001354232.2); c.5308C>A, p.Pro1770Thr (NM_001354235.2, NM_001354246.2, NM_001354265.2); c.5209C>A, p.Pro1737Thr (NM_001354236.2); and 35 more; short protein forms P1610T, P1643T, P1671T, P1676T, P1684T, P1693T, P1696T, P1698T.
Identifiers: ClinVar variation 3390463 (VCV003390463.1).